The following is an entry in ClinVar:

ClinVar aggregate classification (germline): Uncertain significance (1 of 4 stars; one submission).

Conditions:
PKD1L1-related disorder. Also called: PKD1L1-related condition.

Allele frequency attached by ClinVar (database versions not stated): gnomAD exomes below 0.00001; TOPMed below 0.00001.
gnomAD v4.1: 4 of 1,613,640 alleles (0.00025%); highest among the groups gnomAD compares: African/African-American, 0.0013%; no homozygotes.

Submission:

PreventionGenetics, part of Exact Sciences
Classification: Uncertain significance for PKD1L1-related condition. Last evaluated: 2023-04-17. Review status: criteria provided, single submitter. Criteria: ACMG Guidelines, 2015. Collection method: clinical testing. Allele origin: germline.
Comment: The PKD1L1 c.6466G>T variant is predicted to result in the amino acid substitution p.Ala2156Ser. To our knowledge, this variant has not been reported in the literature or in a large population database, indicating this variant is rare. At this time, the clinical significance of this variant is uncertain due to the absence of conclusive functional and genetic evidence.

NM_138295.5(PKD1L1):c.6466G>T (p.Ala2156Ser)

Gene: PKD1L1 (polycystin 1 like 1, transient receptor potential channel interacting; minus strand). Cytogenetic location: 7p12.3.
Variant type: single nucleotide variant.
Coding change: c.6466G>T on transcript NM_138295.5 (MANE Select); coding-DNA position 6466, G replaced by T.
Protein change: p.Ala2156Ser; replaces alanine 2156 with serine.
Molecular consequence: missense variant.
Genome position (GRCh38, 1-based): chr7:47,831,224, C>A on the plus strand (G>T on the coding strand, the complement: PKD1L1 is on the minus strand). VCF-style: chr7-47831224-C-A. GRCh37 (hg19) VCF-style: chr7-47870822-C-A.
Other names: short protein forms A2156S.
Identifiers: ClinVar variation 2636821 (VCV002636821.1), dbSNP rs556604137, ClinGen allele CA158098452.